The following is an entry in ClinVar:

NM_002734.5(PRKAR1A):c.892-26_905del

Gene: PRKAR1A (protein kinase cAMP-dependent type I regulatory subunit alpha; plus strand). Cytogenetic location: 17q24.2.
Variant type: Deletion.
Coding change: c.892-26_905del on transcript NM_002734.5 (MANE Select); 26 bases into the intron before coding-DNA position 892 through coding-DNA position 905, 40 bases deleted.
Molecular consequence: splice acceptor variant.
Genome position (GRCh38, 1-based): chr17:68,529,894-68,529,933, 40 bases deleted; deleting any 40 consecutive bases within chr17:68,529,891-68,529,933 gives the same sequence; the c. name uses the placement nearest the transcript's 3' end. GRCh37 (hg19): chr17:66,526,035-66,526,074.
Other names: c.892-26_905del (NM_001278433.2, NM_001369389.1, NM_212471.3 and 4 more transcripts).
Identifiers: ClinVar variation 573873 (VCV000573873.8), dbSNP rs1568702458, ClinGen allele CA891844465.
Genomic context (GRCh38, chr17:68,529,890, plus strand): 5'-CAAGGTAGTTAAAATTGCATAGGATGTTTAAGGTGCCACCCTGGGTTTGAGAGTGTGTGT[TTGTTTAGCTTTTTGGTGATTTTATTATAGGGGTCAGCTGC>T]TGTGCTACAACGTCGGTCAGAAAATGAAGAGTTTGTTGAAGTGGGAAGATTGGGGCCTTC-3'

ClinVar aggregate classification (germline): Likely pathogenic (1 of 4 stars; one submission).

Conditions:
Carney complex, type 1 (CNC1). Also called: CARNEY MYXOMA-ENDOCRINE COMPLEX; CARNEY COMPLEX, TYPE I. Identifiers: Orphanet 1359, MedGen C2607929, MONDO:0008057, OMIM 160980.

Submission:

Labcorp Genetics (formerly Invitae), Labcorp
Classification: Likely pathogenic for Carney complex, type 1. Last evaluated: 2018-05-14. Review status: criteria provided, single submitter. Criteria: Invitae Variant Classification Sherloc (09022015). Collection method: clinical testing. Allele origin: germline.
Comment: This variant has not been reported in the literature in individuals with PRKAR1A-related disease. In summary, the currently available evidence indicates that the variant is pathogenic, but additional data are needed to prove that conclusively. Therefore, this variant has been classified as Likely Pathogenic. Donor and acceptor splice site variants typically lead to a loss of protein function (PMID: 16199547), and loss-of-function variants in PRKAR1A are known to be pathogenic (PMID: 11115848, 19293268). This variant is not present in population databases (ExAC no frequency). This sequence change affects an acceptor splice site in intron 9 of the PRKAR1A gene and removes the first 14 nucleotides of exon 10 (c.892-26_905del). It is expected to disrupt RNA splicing and/or create a premature translational stop signal, and likely results in an absent or disrupted protein product.

Literature cited by the submitters: PubMed 16199547; PubMed 11115848; PubMed 19293268.